The following is an entry in ClinVar:

ClinVar aggregate classification (germline): Uncertain significance (1 of 4 stars; one submission).

Conditions:
Hereditary cancer-predisposing syndrome. Also called: Neoplastic Syndromes, Hereditary; Tumor predisposition; Hereditary Cancer Syndrome; Hereditary neoplastic syndrome. Identifiers: Orphanet 140162, MedGen C0027672, MeSH D009386, MONDO:0015356.

Submission:

Ambry Genetics
Classification: Uncertain significance for Hereditary cancer-predisposing syndrome. Last evaluated: 2024-10-25. Review status: criteria provided, single submitter. Criteria: Ambry Variant Classification Scheme 2023. Collection method: clinical testing. Allele origin: germline.
Comment: The p.P1201L variant (also known as c.3602C>T), located in coding exon 22 of the PTCH1 gene, results from a C to T substitution at nucleotide position 3602. The proline at codon 1201 is replaced by leucine, an amino acid with similar properties. This amino acid position is not well conserved in available vertebrate species. In addition, the in silico prediction for this alteration is inconclusive. Based on the available evidence, the clinical significance of this variant remains unclear.

NM_000264.5(PTCH1):c.3602C>T (p.Pro1201Leu)

Gene: PTCH1 (patched 1; minus strand). Cytogenetic location: 9q22.32.
Variant type: single nucleotide variant.
Coding change: c.3602C>T on transcript NM_000264.5 (MANE Select); coding-DNA position 3602, C replaced by T.
Protein change: p.Pro1201Leu; replaces proline 1201 with leucine.
Molecular consequence: missense variant. On other transcripts: non-coding transcript variant (1).
Genome position (GRCh38, 1-based): chr9:95,449,271, G>A on the plus strand (C>T on the coding strand, the complement: PTCH1 is on the minus strand). VCF-style: chr9-95449271-G-A. GRCh37 (hg19) VCF-style: chr9-98211553-G-A.
Other names: c.3404C>T, p.Pro1135Leu (NM_001083602.3); c.3599C>T, p.Pro1200Leu (NM_001083603.3); c.3149C>T, p.Pro1050Leu (NM_001083604.3, NM_001083605.3, NM_001083606.3 and 1 more transcripts); c.3446C>T, p.Pro1149Leu (NM_001354918.2); short protein forms P1135L, P1149L, P1200L, P1050L, P1201L.
Identifiers: ClinVar variation 3427192 (VCV003427192.1).
Genomic context (GRCh38, chr9:95,449,271, plus strand): 5'-GAGGAATCAGACCCGCTGTGCGTGTGGCCGGGCGGCATGGCGAAGCGGACCACGCTGGGG[G>A]GTGGCTCAGGGGAGGGTGTGGGCAGGCGGTTCAAGCCGTTGGCTGGAGACACCTATTTAA-3'
Protein context (NP_000255.2, residues 1191-1211): NRLPTPSPEP[Pro1201Leu]PSVVRFAMPP